The following is an entry in ClinVar:

NM_020937.4(FANCM):c.2710G>A (p.Asp904Asn)

Gene: FANCM (FA complementation group M; plus strand). Cytogenetic location: 14q21.2.
Variant type: single nucleotide variant.
Coding change: c.2710G>A on transcript NM_020937.4 (MANE Select); coding-DNA position 2710, G replaced by A.
Protein change: p.Asp904Asn; replaces aspartic acid 904 with asparagine.
Molecular consequence: missense variant.
Genome position (GRCh38, 1-based): chr14:45,175,464, G>A. VCF-style: chr14-45175464-G-A. GRCh37 (hg19) VCF-style: chr14-45644667-G-A.
Other names: c.2632G>A, p.Asp878Asn (NM_001308133.2); short protein forms D878N, D904N.
Identifiers: ClinVar variation 4022779 (VCV004022779.2).

ClinVar aggregate classification (germline): Uncertain significance. Review status: criteria provided, multiple submitters, no conflicts (2 of 4 stars). 2 submissions from 2 submitters: Uncertain significance (2). Last evaluated 2026-02-02.

Conditions:
Fanconi anemia (FA). Also called: Fanconi's anemia. Identifiers: Orphanet 84, MedGen C0015625, MeSH D005199, MONDO:0019391.
Inborn genetic diseases. Identifiers: MedGen C0950123, MeSH D030342.

gnomAD v4.1: 7 of 1,608,488 alleles (0.00044%); highest among the groups gnomAD compares: South Asian, 0.0067%; no homozygotes.

Submissions (2):

Labcorp Genetics (formerly Invitae), Labcorp
Classification: Uncertain significance for Fanconi anemia. Last evaluated: 2026-02-02. Review status: criteria provided, single submitter. Criteria: Invitae Variant Classification Sherloc (09022015). Collection method: clinical testing. Allele origin: germline.
Comment: This sequence change replaces aspartic acid, which is acidic and polar, with asparagine, which is neutral and polar, at codon 904 of the FANCM protein (p.Asp904Asn). This variant is present in population databases (no rsID available, gnomAD 0.003%). This variant has not been reported in the literature in individuals affected with FANCM-related conditions. ClinVar contains an entry for this variant (Variation ID: 4022779). An algorithm developed to predict the effect of missense changes on protein structure and function (PolyPhen-2) suggests that this variant is likely to be tolerated. In summary, the available evidence is currently insufficient to determine the role of this variant in disease. Therefore, it has been classified as a Variant of Uncertain Significance.

Ambry Genetics
Classification: Uncertain significance for Inborn genetic diseases. Last evaluated: 2025-05-15. Review status: criteria provided, single submitter. Criteria: Ambry Variant Classification Scheme 2023. Collection method: clinical testing. Allele origin: germline.
Comment: The p.D904N variant (also known as c.2710G>A), located in coding exon 14 of the FANCM gene, results from a G to A substitution at nucleotide position 2710. The aspartic acid at codon 904 is replaced by asparagine, an amino acid with highly similar properties. This amino acid position is conserved. In addition, this alteration is predicted to be tolerated by in silico analysis. Based on the available evidence, the clinical significance of this variant remains unclear.